The following is an entry in ClinVar:

NM_000540.3(RYR1):c.13799A>T (p.Asp4600Val)

Gene: RYR1 (ryanodine receptor 1; plus strand). Cytogenetic location: 19q13.2.
Variant type: single nucleotide variant.
Coding change: c.13799A>T on transcript NM_000540.3 (MANE Select); coding-DNA position 13799, A replaced by T.
Protein change: p.Asp4600Val; replaces aspartic acid 4600 with valine.
Molecular consequence: missense variant.
Genome position (GRCh38, 1-based): chr19:38,572,071, A>T. VCF-style: chr19-38572071-A-T. GRCh37 (hg19) VCF-style: chr19-39062711-A-T.
Other names: c.13784A>T, p.Asp4595Val (NM_001042723.2); short protein forms D4595V, D4600V.
Identifiers: ClinVar variation 1061569 (VCV001061569.10), dbSNP rs929800544, ClinGen allele CA308114051.
Genomic context (GRCh38, chr19:38,572,071, plus strand): 5'-CATTTCAGGTCTCAGACTCTCCACCAGGGGAGGACGACATGGAAGGCTCAGCTGCTGGGG[A>T]TGTGTCAGGTGCAGGCTCTGGTGGCAGCTCTGGCTGGGGCTTGGGGGCCGGAGAGGAGGC-3'
Protein context (NP_000531.2, residues 4590-4610): EDDMEGSAAG[Asp4600Val]VSGAGSGGSS

ClinVar aggregate classification (germline): Uncertain significance. Review status: criteria provided, multiple submitters, no conflicts (2 of 4 stars). 2 submissions from 2 submitters: Uncertain significance (2). Last evaluated 2024-06-25.

Conditions:
RYR1-related disorder. Also called: RYR1-related disorders; RYR1-related condition. Identifiers: MedGen CN239331.
Malignant hyperthermia, susceptibility to, 1 (MHS1). Also called: RYR1-Related Malignant Hyperthermia Susceptibility; Anesthesia related hyperthermia; Malignant hyperpyrexia; Fulminating hyperpyrexia; Pharmacogenic myopathy; Malignant hyperthermia suceptibility 1. Identifiers: Orphanet 423, MedGen C2930980, MONDO:0007783, OMIM 145600.

Allele frequency attached by ClinVar (database versions not stated): gnomAD exomes below 0.00001 and 0.00002; gnomAD 0.00001; TOPMed 0.00001.
gnomAD v4.1: 33 of 1,613,944 alleles (0.002%); highest among the groups gnomAD compares: Non-Finnish European, 0.0028%; no homozygotes.

Submissions (2):

Labcorp Genetics (formerly Invitae), Labcorp
Classification: Uncertain significance for RYR1-related disorder. Last evaluated: 2024-06-25. Review status: criteria provided, single submitter. Criteria: Invitae Variant Classification Sherloc (09022015). Collection method: clinical testing. Allele origin: germline.
Comment: This sequence change replaces aspartic acid, which is acidic and polar, with valine, which is neutral and non-polar, at codon 4600 of the RYR1 protein (p.Asp4600Val). This variant is present in population databases (no rsID available, gnomAD 0.0009%). This variant has not been reported in the literature in individuals affected with RYR1-related conditions. ClinVar contains an entry for this variant (Variation ID: 1061569). Advanced modeling of protein sequence and biophysical properties (such as structural, functional, and spatial information, amino acid conservation, physicochemical variation, residue mobility, and thermodynamic stability) has been performed at Invitae for this missense variant, however the output from this modeling did not meet the statistical confidence thresholds required to predict the impact of this variant on RYR1 protein function. In summary, the available evidence is currently insufficient to determine the role of this variant in disease. Therefore, it has been classified as a Variant of Uncertain Significance.

All of Us Research Program, National Institutes of Health
Classification: Uncertain significance for Malignant hyperthermia, susceptibility to, 1. Last evaluated: 2023-08-15. Review status: criteria provided, single submitter. Criteria: ACMG Guidelines, 2015. Collection method: clinical testing. Allele origin: germline. Inheritance: Autosomal dominant inheritance. Observed: 2 variant alleles, 2 heterozygotes.
Comment: This study involves interpretation of variants in research participants for the purpose of population health screening. Participant phenotype was not available at the time of variant classification. Additional details can be found in publication PMID: 35346344, PMCID: PMC8962531